The following is an entry in ClinVar:

NM_001379500.1(COL18A1):c.3184G>A (p.Val1062Ile)

Genes: COL18A1 (collagen type XVIII alpha 1 chain; plus strand), SLC19A1 (solute carrier family 19 member 1; minus strand). Cytogenetic location: 21q22.3.
Variant type: single nucleotide variant.
Coding change: c.3184G>A on transcript NM_001379500.1 (MANE Select); coding-DNA position 3184, G replaced by A.
Protein change: p.Val1062Ile; replaces valine 1062 with isoleucine.
Molecular consequence: missense variant.
Genome position (GRCh38, 1-based): chr21:45,505,934, G>A. VCF-style: chr21-45505934-G-A. GRCh37 (hg19) VCF-style: chr21-46925848-G-A.
Other names: c.3715G>A, p.Val1239Ile (NM_030582.4); c.4420G>A, p.Val1474Ile (NM_130444.3); c.3715G>A (NM_030582.3); short protein forms V1239I, V1474I, V1062I.
Identifiers: ClinVar variation 2059864 (VCV002059864.2), dbSNP rs537502596, ClinGen allele CA10067738.
Genomic context (GRCh38, chr21:45,505,934, plus strand): 5'-CAGGTGCACGAGGTTCCCGAGGGCTGGCTCATCTTCGTGGCCGAGCAGGAGGAGCTCTAC[G>A]TCCGCGTGCAGAACGGGTTCCGGAAGGTCCAGGTGAGCGCTCTGTGTGACGGGTTCTGGA-3'
Protein context (NP_001366429.1, residues 1052-1072): IFVAEQEELY[Val1062Ile]RVQNGFRKVQ

ClinVar aggregate classification (germline): Uncertain significance. Review status: criteria provided, multiple submitters, no conflicts (2 of 4 stars). 2 submissions from 2 submitters: Uncertain significance (2). Last evaluated 2026-09-23.

Conditions:
COL18A1-related disorder. Also called: COL18A1-related condition; COL18A1-related disorders.

Allele frequency attached by ClinVar (database versions not stated): TOPMed 0.00002; ExAC 0.00003; gnomAD 0.00004.
gnomAD v4.1: 73 of 1,613,204 alleles (0.0045%); highest among the groups gnomAD compares: East Asian, 0.018%; no homozygotes.

Submissions (2):

PreventionGenetics, part of Exact Sciences
Classification: Uncertain significance for COL18A1-related condition. Last evaluated: 2026-09-23. Review status: criteria provided, single submitter. Criteria: ACMG Guidelines, 2015. Collection method: clinical testing. Allele origin: germline.
Comment: The COL18A1 c.3715G>A variant is predicted to result in the amino acid substitution p.Val1239Ile. To our knowledge, this variant has not been reported in the literature. This variant is reported in 0.031% of alleles in individuals of East Asian descent in gnomAD. At this time, the clinical significance of this variant is uncertain due to the absence of conclusive functional and genetic evidence.

Labcorp Genetics (formerly Invitae), Labcorp
Classification: Uncertain significance. Last evaluated: 2022-06-28. Review status: criteria provided, single submitter. Criteria: Invitae Variant Classification Sherloc (09022015). Collection method: clinical testing. Allele origin: germline.
Comment: This sequence change replaces valine, which is neutral and non-polar, with isoleucine, which is neutral and non-polar, at codon 1059 of the COL18A1 protein (p.Val1059Ile). This variant is present in population databases (rs537502596, gnomAD 0.04%). This variant has not been reported in the literature in individuals affected with COL18A1-related conditions. Experimental studies and prediction algorithms are not available or were not evaluated, and the functional significance of this variant is currently unknown. In summary, the available evidence is currently insufficient to determine the role of this variant in disease. Therefore, it has been classified as a Variant of Uncertain Significance.